The following is an entry in ClinVar:

NM_006059.4(LAMC3):c.696del (p.Glu233fs)

Gene: LAMC3 (laminin subunit gamma 3; plus strand). Cytogenetic location: 9q34.12.
Variant type: Deletion.
Coding change: c.696del on transcript NM_006059.4 (MANE Select); coding-DNA position 696, one base deleted (C; older notation c.696delC).
Protein change: p.Glu233fs; shifts the reading frame from glutamic acid 233.
Molecular consequence: frameshift variant.
Genome position (GRCh38, 1-based): chr9:131,032,062, C deleted; the last of 2 consecutive C bases (chr9:131,032,061-131,032,062); deleting either gives the same sequence. VCF-style (leftmost placement, unchanged base first): chr9-131032060-AC-A. GRCh37 (hg19) VCF-style: chr9-133907447-AC-A.
Other names: short protein forms E233fs.
Identifiers: ClinVar variation 2811276 (VCV002811276.3), dbSNP rs746401119, ClinGen allele CA5286780.

ClinVar aggregate classification (germline): Pathogenic (1 of 4 stars; one submission).

Submission:

Labcorp Genetics (formerly Invitae), Labcorp
Classification: Pathogenic. Last evaluated: 2024-11-04. Review status: criteria provided, single submitter. Criteria: Invitae Variant Classification Sherloc (09022015). Collection method: clinical testing. Allele origin: germline.
Comment: This sequence change creates a premature translational stop signal (p.Glu233Asnfs*6) in the LAMC3 gene. It is expected to result in an absent or disrupted protein product. Loss-of-function variants in LAMC3 are known to be pathogenic (PMID: 21572413, 26802095). This variant is not present in population databases (gnomAD no frequency). This variant has not been reported in the literature in individuals affected with LAMC3-related conditions. ClinVar contains an entry for this variant (Variation ID: 2811276). For these reasons, this variant has been classified as Pathogenic.

Literature cited by the submitters: PubMed 21572413; PubMed 26802095.